The following is an entry in ClinVar:

NM_000051.4(ATM):c.3093G>T (p.Glu1031Asp)

Gene: ATM (ATM serine/threonine kinase; plus strand). Cytogenetic location: 11q22.3.
Variant type: single nucleotide variant.
Coding change: c.3093G>T on transcript NM_000051.4 (MANE Select); coding-DNA position 3093, G replaced by T.
Protein change: p.Glu1031Asp; replaces glutamic acid 1031 with aspartic acid.
Molecular consequence: missense variant.
Genome position (GRCh38, 1-based): chr11:108,272,547, G>T. VCF-style: chr11-108272547-G-T. GRCh37 (hg19) VCF-style: chr11-108143274-G-T.
Other names: c.3093G>T, p.Glu1031Asp (NM_001351834.2); short protein forms E1031D.
Identifiers: ClinVar variation 2453936 (VCV002453936.2), dbSNP rs1555085799, ClinGen allele CA382515065.

ClinVar aggregate classification (germline): Likely pathogenic (1 of 4 stars; one submission).

Conditions:
Hereditary cancer-predisposing syndrome. Also called: Neoplastic Syndromes, Hereditary; Hereditary neoplastic syndrome; Tumor predisposition; Hereditary Cancer Syndrome. Identifiers: Orphanet 140162, MedGen C0027672, MeSH D009386, MONDO:0015356.

Allele frequency attached by ClinVar (database versions not stated): gnomAD exomes below 0.00001.
gnomAD v4.1: 1 of 1,613,112 alleles (0.000062%); highest among the groups gnomAD compares: South Asian, 0.0011%; no homozygotes.

Submission:

Ambry Genetics
Classification: Likely pathogenic for Hereditary cancer-predisposing syndrome. Last evaluated: 2022-12-06. Review status: criteria provided, single submitter. Criteria: Ambry Variant Classification Scheme 2023. Collection method: clinical testing. Allele origin: germline.
Comment: The c.3093G>T variant (also known as p.E1031D), located in coding exon 20 of the ATM gene, results from a G to T substitution at nucleotide position 3093. In silico splice site analysis predicts that this alteration will weaken the native splice acceptor site. RNA studies have demonstrated that this alteration results in abnormal splicing in the set of samples tested (Ambry internal data). Based on the majority of available evidence to date, this variant is likely to be pathogenic.